The following is an entry in ClinVar:

ClinVar aggregate classification (germline): Uncertain significance (1 of 4 stars; one submission).

gnomAD v4.1: 1 of 1,614,046 alleles (0.000062%); highest among the groups gnomAD compares: African/African-American, 0.0013%; no homozygotes.

Submission:

GeneDx
Classification: Uncertain significance. Last evaluated: 2025-06-02. Review status: criteria provided, single submitter. Criteria: GeneDx Variant Classification Process June 2021. Collection method: clinical testing. Allele origin: germline. Affected: yes.
Comment: Not observed at significant frequency in large population cohorts (gnomAD); In silico analysis supports that this missense variant has a deleterious effect on protein structure/function; Has not been previously published as pathogenic or benign to our knowledge; Not located in the triple helical region, where the majority of pathogenic missense variants occur (HGMD)

NM_000090.4(COL3A1):c.3883A>C (p.Asn1295His)

Gene: COL3A1 (collagen type III alpha 1 chain; plus strand). Cytogenetic location: 2q32.2.
Variant type: single nucleotide variant.
Coding change: c.3883A>C on transcript NM_000090.4 (MANE Select); coding-DNA position 3883, A replaced by C.
Protein change: p.Asn1295His; replaces asparagine 1295 with histidine.
Molecular consequence: missense variant.
Genome position (GRCh38, 1-based): chr2:189,010,237, A>C. VCF-style: chr2-189010237-A-C. GRCh37 (hg19) VCF-style: chr2-189874963-A-C.
Other names: short protein forms N1295H.
Identifiers: ClinVar variation 4536489 (VCV004536489.1).
Genomic context (GRCh38, chr2:189,010,237, plus strand): 5'-GGAGAATACTGGGTTGACCCTAACCAAGGATGCAAATTGGATGCTATCAAGGTATTCTGT[A>C]ATATGGAAACTGGGGAAACATGCATAAGTGCCAATCCTTTGAATGTTCCACGGAAACACT-3'
Protein context (NP_000081.2, residues 1285-1305): CKLDAIKVFC[Asn1295His]METGETCISA